The following is an entry in ClinVar:

NM_000565.4(IL6R):c.781C>T (p.Arg261Trp)

Gene: IL6R (interleukin 6 receptor; plus strand). Cytogenetic location: 1q21.3.
Variant type: single nucleotide variant.
Coding change: c.781C>T on transcript NM_000565.4 (MANE Select); coding-DNA position 781, C replaced by T.
Protein change: p.Arg261Trp; replaces arginine 261 with tryptophan.
Molecular consequence: missense variant.
Genome position (GRCh38, 1-based): chr1:154,435,130, C>T. VCF-style: chr1-154435130-C-T. GRCh37 (hg19) VCF-style: chr1-154407606-C-T.
Other names: c.781C>T, p.Arg261Trp (NM_001206866.2, NM_001382769.1, NM_001382770.1 and 4 more transcripts); c.421C>T, p.Arg141Trp (NM_001382774.1); short protein forms R261W, R141W.
Identifiers: ClinVar variation 1923807 (VCV001923807.5), dbSNP rs201340163, ClinGen allele CA30799153.
Genomic context (GRCh38, chr1:154,435,130, plus strand): 5'-CCCCACTCCTGGAACTCATCTTTCTACAGACTACGGTTTGAGCTCAGATATCGGGCTGAA[C>T]GGTCAAAGACATTCACAACATGGATGGTAAATTTATGTTTTACTTCTGGTCAGAGAGGCG-3'
Protein context (NP_000556.1, residues 251-271): LRFELRYRAE[Arg261Trp]SKTFTTWMVK

ClinVar aggregate classification (germline): Uncertain significance (1 of 4 stars; one submission).

Allele frequency attached by ClinVar (database versions not stated): gnomAD exomes below 0.00001; gnomAD 0.00002; TOPMed 0.00003; 1000 Genomes Project 30x 0.00016; 1000 Genomes Project 0.00020.

Submission:

Labcorp Genetics (formerly Invitae), Labcorp
Classification: Uncertain significance. Last evaluated: 2023-10-03. Review status: criteria provided, single submitter. Criteria: Invitae Variant Classification Sherloc (09022015). Collection method: clinical testing. Allele origin: germline.
Comment: This sequence change replaces arginine, which is basic and polar, with tryptophan, which is neutral and slightly polar, at codon 261 of the IL6R protein (p.Arg261Trp). This variant is not present in population databases (gnomAD no frequency). This variant has not been reported in the literature in individuals affected with IL6R-related conditions. ClinVar contains an entry for this variant (Variation ID: 1923807). Algorithms developed to predict the effect of missense changes on protein structure and function output the following: SIFT: "Not Available"; PolyPhen-2: "Benign"; Align-GVGD: "Not Available". The tryptophan amino acid residue is found in multiple mammalian species, which suggests that this missense change does not adversely affect protein function. In summary, the available evidence is currently insufficient to determine the role of this variant in disease. Therefore, it has been classified as a Variant of Uncertain Significance.